The following is an entry in ClinVar:

ClinVar aggregate classification (germline): Uncertain significance. Review status: criteria provided, multiple submitters, no conflicts (2 of 4 stars). 2 submissions from 2 submitters: Uncertain significance (2). Last evaluated 2026-05-07.

Conditions:
Spastic paraplegia 30B, autosomal recessive. Identifiers: MedGen C5935571, MONDO:0971149, OMIM 620607.
Spastic paraplegia 30A, autosomal dominant. Identifiers: MedGen CN380650, MONDO:0700307, OMIM 610357.
Neuropathy, hereditary sensory, type 2C. Also called: Hereditary sensory and autonomic neuropathy type IIC; KIF1A-Related HSAN2 (HSAN2C). Identifiers: Orphanet 970, MedGen C3280168, MONDO:0013634, OMIM 614213.
Intellectual disability, autosomal dominant 9 (NESCAVS). Also called: KIF1A-Related Neurodevelopmental Disorder; NESCAV SYNDROME. Identifiers: Orphanet 662367, MedGen C5393830, MONDO:0013656, OMIM 614255.

Submissions (2):

Clinical Genomics Laboratory, Washington University in St. Louis
Classification: Uncertain significance for Intellectual disability, autosomal dominant 9; Neuropathy, hereditary sensory, type 2C; Spastic paraplegia 30A, autosomal dominant; Spastic paraplegia 30B, autosomal recessive. Last evaluated: 2026-05-07. Review status: criteria provided, single submitter. Criteria: ACMG Guidelines, 2015. Collection method: clinical testing. Allele origin: germline.
Comment: The KIF1A c.1463A>T (p.Asp488Val) variant has been reported in one individual affected with KAND (Baldridge D et al., PMID: 28252636; Lin Q et al., PMID: 41310149). This variant has been reported in the ClinVar database as a germline variant of uncertain significance by one submitter. This variant is absent from the general population (gnomAD v4.1.1), indicating it is not a common variant. Computational predictors indicate that the variant is damaging, evidence that correlates with impact to KIF1A function. Due to limited information, and based on ACMG/AMP guidelines for variant interpretation (Richards S et al., PMID: 25741868), the clinical significance of this variant is uncertain at this time.

GeneDx
Classification: Uncertain significance. Last evaluated: 2017-10-25. Review status: criteria provided, single submitter. Criteria: GeneDx Variant Classification (06012015). Collection method: clinical testing. Allele origin: germline. Affected: yes.
Comment: The D479V variant in the KIF1A gene has not been reported previously as a pathogenic variant, nor as a benign variant, to our knowledge. The D479V variant is not observed in large population cohorts (Lek et al., 2016). The D479V variant is a non-conservative amino acid substitution, which is likely to impact secondary protein structure as these residues differ in polarity, charge, size and/or other properties. This substitution occurs at a position that is conserved across species. In silico analysis predicts this variant is probably damaging to the protein structure/function. We interpret D479V as a variant of uncertain significance.

NM_001244008.2(KIF1A):c.1463A>T (p.Asp488Val)

Gene: KIF1A (kinesin family member 1A; minus strand). Cytogenetic location: 2q37.3.
Variant type: single nucleotide variant.
Coding change: c.1463A>T on transcript NM_001244008.2 (MANE Select); coding-DNA position 1463, A replaced by T.
Protein change: p.Asp488Val; replaces aspartic acid 488 with valine.
Molecular consequence: missense variant.
Genome position (GRCh38, 1-based): chr2:240,769,167, T>A on the plus strand (A>T on the coding strand, the complement: KIF1A is on the minus strand). VCF-style: chr2-240769167-T-A. GRCh37 (hg19) VCF-style: chr2-241708584-T-A.
Other names: c.1463A>T, p.Asp488Val (NM_001320705.2, NM_001330289.2, NM_001379638.1); c.1538A>T, p.Asp513Val (NM_001330290.2, NM_001379631.1, NM_001379634.1 and 2 more transcripts); c.1436A>T, p.Asp479Val (NM_001379632.1, NM_001379633.1, NM_001379636.1 and 10 more transcripts); c.1511A>T, p.Asp504Val (NM_001379637.1, NM_001379648.1); short protein forms D479V, D488V, D513V, D504V.
Identifiers: ClinVar variation 245788 (VCV000245788.3), dbSNP rs879253947, ClinGen allele CA10584194.